The following is an entry in ClinVar:

NM_001080467.3(MYO5B):c.3431C>T (p.Thr1144Met)

Gene: MYO5B (myosin VB; minus strand). Cytogenetic location: 18q21.1.
Variant type: single nucleotide variant.
Coding change: c.3431C>T on transcript NM_001080467.3 (MANE Select); coding-DNA position 3431, C replaced by T.
Protein change: p.Thr1144Met; replaces threonine 1144 with methionine.
Molecular consequence: missense variant.
Genome position (GRCh38, 1-based): chr18:49,875,793, G>A on the plus strand (C>T on the coding strand, the complement: MYO5B is on the minus strand). VCF-style: chr18-49875793-G-A. GRCh37 (hg19) VCF-style: chr18-47402163-G-A.
Other names: c.3431C>T (NM_001080467.2); short protein forms T1144M.
Identifiers: ClinVar variation 1400457 (VCV001400457.6), dbSNP rs372301424, ClinGen allele CA8960717.

ClinVar aggregate classification (germline): Uncertain significance. Review status: criteria provided, multiple submitters, no conflicts (2 of 4 stars). 2 submissions from 2 submitters: Uncertain significance (2). Last evaluated 2023-11-14.

Conditions:
Inborn genetic diseases. Identifiers: MedGen C0950123, MeSH D030342.

Allele frequency attached by ClinVar (database versions not stated): TOPMed 0.00001; ESP Exome Variant Server 0.00008; ExAC 0.00002.
gnomAD v4.1: 29 of 1,613,990 alleles (0.0018%); highest among the groups gnomAD compares: South Asian, 0.0033%; no homozygotes.

Submissions (2):

Ambry Genetics
Classification: Uncertain significance for Inborn genetic diseases. Last evaluated: 2023-11-14. Review status: criteria provided, single submitter. Criteria: Ambry Variant Classification Scheme 2023. Collection method: clinical testing. Allele origin: germline.

Labcorp Genetics (formerly Invitae), Labcorp
Classification: Uncertain significance. Last evaluated: 2022-08-13. Review status: criteria provided, single submitter. Criteria: Invitae Variant Classification Sherloc (09022015). Collection method: clinical testing. Allele origin: germline.
Comment: Algorithms developed to predict the effect of missense changes on protein structure and function are either unavailable or do not agree on the potential impact of this missense change (SIFT: "Deleterious"; PolyPhen-2: "Benign"; Align-GVGD: "Class C0"). ClinVar contains an entry for this variant (Variation ID: 1400457). In summary, the available evidence is currently insufficient to determine the role of this variant in disease. Therefore, it has been classified as a Variant of Uncertain Significance. This sequence change replaces threonine, which is neutral and polar, with methionine, which is neutral and non-polar, at codon 1144 of the MYO5B protein (p.Thr1144Met). This variant is present in population databases (rs372301424, gnomAD 0.002%). This variant has not been reported in the literature in individuals affected with MYO5B-related conditions.